The following is an entry in ClinVar:

ClinVar aggregate classification (germline): Uncertain significance (1 of 4 stars; one submission).

Conditions:
Inborn genetic diseases. Identifiers: MedGen C0950123, MeSH D030342.

Submission:

Ambry Genetics
Classification: Uncertain significance for Inborn genetic diseases. Last evaluated: 2019-09-16. Review status: criteria provided, single submitter. Criteria: Ambry Variant Classification Scheme 2023. Collection method: clinical testing. Allele origin: germline.
Comment: The p.E277G variant (also known as c.830A>G), located in coding exon 7 of the GNAO1 gene, results from an A to G substitution at nucleotide position 830. The glutamic acid at codon 277 is replaced by glycine, an amino acid with similar properties. This amino acid position is highly conserved in available vertebrate species. In addition, this alteration is predicted to be deleterious by in silico analysis. Since supporting evidence is limited at this time, the clinical significance of this alteration remains unclear.

NM_020988.3(GNAO1):c.830A>G (p.Glu277Gly)

Gene: GNAO1 (G protein subunit alpha o1; plus strand). Cytogenetic location: 16q13.
Variant type: single nucleotide variant.
Coding change: c.830A>G on transcript NM_020988.3 (MANE Select); coding-DNA position 830, A replaced by G.
Protein change: p.Glu277Gly; replaces glutamic acid 277 with glycine.
Molecular consequence: missense variant.
Genome position (GRCh38, 1-based): chr16:56,351,490, A>G. VCF-style: chr16-56351490-A-G. GRCh37 (hg19) VCF-style: chr16-56385402-A-G.
Other names: short protein forms E277G.
Identifiers: ClinVar variation 1762858 (VCV001762858.2), dbSNP rs2543427331, ClinGen allele CA395954830.